The following is an entry in ClinVar:

NM_133259.4(LRPPRC):c.1843-2A>G

Gene: LRPPRC (leucine rich pentatricopeptide repeat containing; minus strand). Cytogenetic location: 2p21.
Variant type: single nucleotide variant.
Coding change: c.1843-2A>G on transcript NM_133259.4 (MANE Select); the canonical splice acceptor site of the intron before coding-DNA position 1843, A replaced by G.
Molecular consequence: splice acceptor variant.
Genome position (GRCh38, 1-based): chr2:43,948,201, T>C on the plus strand (A>G on the coding strand, the complement: LRPPRC is on the minus strand). VCF-style: chr2-43948201-T-C. GRCh37 (hg19) VCF-style: chr2-44175340-T-C.
Identifiers: ClinVar variation 1473213 (VCV001473213.7), dbSNP rs2103617318, ClinGen allele CA346676260.

ClinVar aggregate classification (germline): Conflicting classifications of pathogenicity. Review status: criteria provided, conflicting classifications (1 of 4 stars). 2 submissions from 2 submitters: Likely pathogenic (1); Uncertain significance (1). Last evaluated 2026-02-18.

Conditions:
Congenital lactic acidosis, Saguenay-Lac-Saint-Jean type (MC4DN5). Also called: CYTOCHROME c OXIDASE DEFICIENCY, FRENCH CANADIAN TYPE; COX DEFICIENCY, FRENCH CANADIAN TYPE; MITOCHONDRIAL COMPLEX IV DEFICIENCY, NUCLEAR TYPE 5. Identifiers: Orphanet 70472, MedGen C1857355, MONDO:0009069, OMIM 220111.

Allele frequency attached by ClinVar (database versions not stated): gnomAD exomes below 0.00001.
gnomAD v4.1: 1 of 1,559,974 alleles (0.000064%); highest among the groups gnomAD compares: Non-Finnish European, 0.000088%; no homozygotes.

Submissions (2):

Myriad Genetics, Inc.
Classification: Uncertain significance for Congenital lactic acidosis, Saguenay-Lac-Saint-Jean type. Last evaluated: 2026-02-18. Review status: criteria provided, single submitter. Criteria: Myriad Autosomal Dominant, Autosomal Recessive and X-Linked Classification Criteria (2023). Collection method: clinical testing. Allele origin: unknown.
Comment: NM_133259.3(LRPPRC):c.1843-2A>G is a variant in a canonical splice site classified as a variant of uncertain significance in the context of Leigh syndrome, French-Canadian type. c.1843-2A>G has not been observed in cases with relevant disease. Relevant functional assessments of this variant are not available in the literature. c.1843-2A>G has not been observed in referenced population frequency databases. In summary, there is insufficient evidence to classify NM_133259.3(LRPPRC):c.1843-2A>G as pathogenic or benign. Please note: this variant was assessed in the context of healthy population screening.

Labcorp Genetics (formerly Invitae), Labcorp
Classification: Likely pathogenic. Last evaluated: 2022-02-05. Review status: criteria provided, single submitter. Criteria: Invitae Variant Classification Sherloc (09022015). Collection method: clinical testing. Allele origin: germline.
Comment: This sequence change affects an acceptor splice site in intron 17 of the LRPPRC gene. It is expected to disrupt RNA splicing. Variants that disrupt the donor or acceptor splice site typically lead to a loss of protein function (PMID: 16199547), and loss-of-function variants in LRPPRC are known to be pathogenic (PMID: 26510951). This variant is not present in population databases (gnomAD no frequency). This variant has not been reported in the literature in individuals affected with LRPPRC-related conditions. Algorithms developed to predict the effect of sequence changes on RNA splicing suggest that this variant may disrupt the consensus splice site. In summary, the currently available evidence indicates that the variant is pathogenic, but additional data are needed to prove that conclusively. Therefore, this variant has been classified as Likely Pathogenic.

Literature cited by the submitters: PubMed 16199547 (cited by Labcorp Genetics (formerly Invitae), Labcorp); PubMed 26510951 (cited by Labcorp Genetics (formerly Invitae), Labcorp).